The following is an entry in ClinVar:

NM_020964.3(EPG5):c.7156G>A (p.Glu2386Lys)

Gene: EPG5 (ectopic P-granules 5 autophagy tethering factor; minus strand). Cytogenetic location: 18q12.3.
Variant type: single nucleotide variant.
Coding change: c.7156G>A on transcript NM_020964.3 (MANE Select); coding-DNA position 7156, G replaced by A.
Protein change: p.Glu2386Lys; replaces glutamic acid 2386 with lysine.
Molecular consequence: missense variant.
Genome position (GRCh38, 1-based): chr18:45,858,636, C>T on the plus strand (G>A on the coding strand, the complement: EPG5 is on the minus strand). VCF-style: chr18-45858636-C-T. GRCh37 (hg19) VCF-style: chr18-43438601-C-T.
Other names: c.7156G>A, p.Glu2386Lys (NM_001410858.1); c.7153G>A, p.Glu2385Lys (NM_001410859.1); short protein forms E2385K, E2386K.
Identifiers: ClinVar variation 1912789 (VCV001912789.3), dbSNP rs373944025, ClinGen allele CA8948070.
Genomic context (GRCh38, chr18:45,858,636, plus strand): 5'-CCTGTTCCAGCCACTTGCTTAAGATGAGCAGCACTTTCATTTCATTCCTTAAAGTCTGTT[C>T]GCTGTTTAAACACTGAAGCAAGTAGACGTAAAGAGTCAAGTAACTGCCCAAGGTGAGGCA-3'
Protein context (NP_066015.2, residues 2376-2396): YVYLLQCLNS[Glu2386Lys]QTLRNEMKVL

ClinVar aggregate classification (germline): Uncertain significance (1 of 4 stars; one submission).

Conditions:
Vici syndrome (VICIS). Identifiers: Orphanet 1493, MedGen C1855772, MONDO:0009452, OMIM 242840.

Allele frequency attached by ClinVar (database versions not stated): gnomAD exomes below 0.00001; ExAC 0.00002; gnomAD 0.00003; TOPMed 0.00003; ESP Exome Variant Server 0.00008.
gnomAD v4.1: 11 of 1,613,932 alleles (0.00068%); highest among the groups gnomAD compares: African/African-American, 0.0053%; no homozygotes.

Submission:

Labcorp Genetics (formerly Invitae), Labcorp
Classification: Uncertain significance for Vici syndrome. Last evaluated: 2024-12-02. Review status: criteria provided, single submitter. Criteria: Invitae Variant Classification Sherloc (09022015). Collection method: clinical testing. Allele origin: germline.
Comment: This sequence change replaces glutamic acid, which is acidic and polar, with lysine, which is basic and polar, at codon 2386 of the EPG5 protein (p.Glu2386Lys). This variant is present in population databases (rs373944025, gnomAD 0.003%). This variant has not been reported in the literature in individuals affected with EPG5-related conditions. ClinVar contains an entry for this variant (Variation ID: 1912789). Invitae Evidence Modeling of protein sequence and biophysical properties (such as structural, functional, and spatial information, amino acid conservation, physicochemical variation, residue mobility, and thermodynamic stability) indicates that this missense variant is not expected to disrupt EPG5 protein function with a negative predictive value of 80%. In summary, the available evidence is currently insufficient to determine the role of this variant in disease. Therefore, it has been classified as a Variant of Uncertain Significance.